The following is an entry in ClinVar:

NM_000328.3(RPGR):c.2365G>A (p.Asp789Asn)

Gene: RPGR (retinitis pigmentosa GTPase regulator; minus strand). Cytogenetic location: Xp11.4.
Variant type: single nucleotide variant.
Coding change: c.2365G>A on transcript NM_000328.3; coding-DNA position 2365, G replaced by A.
Protein change: p.Asp789Asn; replaces aspartic acid 789 with asparagine.
Molecular consequence: missense variant. On other transcripts: non-coding transcript variant (6).
Genome position (GRCh38, 1-based): chrX:38,269,709, C>T on the plus strand (G>A on the coding strand, the complement: RPGR is on the minus strand). VCF-style: chrX-38269709-C-T. GRCh37 (hg19) VCF-style: chrX-38128962-C-T.
Other names: c.2362G>A, p.Asp788Asn (NM_001367245.1); c.2179G>A, p.Asp727Asn (NM_001367246.1); c.2032G>A, p.Asp678Asn (NM_001367247.1); c.2062G>A, p.Asp688Asn (NM_001367248.1); c.2029G>A, p.Asp677Asn (NM_001367249.1, NM_001367250.1); c.1846G>A, p.Asp616Asn (NM_001367251.1); short protein forms D789N, D677N, D727N, D788N, D616N, D678N, D688N.
Identifiers: ClinVar variation 454516 (VCV000454516.16), dbSNP rs113968324, ClinGen allele CA10385034.

ClinVar aggregate classification (germline): Benign/Likely benign. Review status: criteria provided, multiple submitters, no conflicts (2 of 4 stars). 4 submissions from 4 submitters: Benign (1); Likely benign (3). Last evaluated 2026-01-28.

Conditions:
RPGR-related disorder. Also called: RPGR-related condition.
Primary ciliary dyskinesia. Also called: Ciliary dyskinesia. Identifiers: Orphanet 244, MedGen C0008780, MONDO:0016575, HP:0012265.

Allele frequency attached by ClinVar (database versions not stated): 1000 Genomes Project 0.00053; ESP Exome Variant Server 0.00066; gnomAD exomes 0.00020; TOPMed 0.00091; ExAC 0.00025; 1000 Genomes Project 30x 0.00042.
gnomAD v4.1: 238 of 1,206,564 alleles (0.02%); highest among the groups gnomAD compares: African/African-American, 0.35%; 2 homozygotes.

Submissions (4):

Labcorp Genetics (formerly Invitae), Labcorp
Classification: Benign for Primary ciliary dyskinesia. Last evaluated: 2026-01-28. Review status: criteria provided, single submitter. Criteria: Invitae Variant Classification Sherloc (09022015). Collection method: clinical testing. Allele origin: germline.

PreventionGenetics, part of Exact Sciences
Classification: Likely benign for RPGR-related condition. Last evaluated: 2024-11-23. Review status: criteria provided, single submitter. Criteria: ACMG Guidelines, 2015. Collection method: clinical testing. Allele origin: germline.
Comment: This variant is classified as likely benign based on ACMG/AMP sequence variant interpretation guidelines (Richards et al. 2015 PMID: 25741868, with internal and published modifications).

Blueprint Genetics
Classification: Likely benign. Last evaluated: 2024-07-04. Review status: criteria provided, single submitter. Criteria: ACMG Guidelines, 2015. Collection method: clinical testing. Allele origin: germline.

Ambry Genetics
Classification: Likely benign for Primary ciliary dyskinesia. Last evaluated: 2021-11-14. Review status: criteria provided, single submitter. Criteria: Ambry Variant Classification Scheme 2023. Collection method: clinical testing. Allele origin: germline.